The following is an entry in ClinVar:

ClinVar aggregate classification (germline): Pathogenic/Likely pathogenic. Review status: criteria provided, multiple submitters, no conflicts (2 of 4 stars). 3 submissions from 3 submitters: Pathogenic (2); Likely pathogenic (1). Last evaluated 2024-08-20.

Conditions:
X-linked Alport syndrome (ATS1). Also called: COL4A5-Related Nephropathy; NEPHROPATHY AND DEAFNESS, X-LINKED. Identifiers: Orphanet 63, Orphanet 88917, MedGen C4746986, MONDO:0010520, OMIM 301050.

Submissions (3):

Molecular Genetics and NGS Laboratory, Hospital Fundacion Valle Del Lili
Classification: Pathogenic for X-linked Alport syndrome. Last evaluated: 2024-08-20. Review status: criteria provided, single submitter. Criteria: ACMG Guidelines, 2015. Collection method: clinical testing. Allele origin: germline. Affected: yes. Observed: 1 variant allele.

Labcorp Genetics (formerly Invitae), Labcorp
Classification: Pathogenic. Last evaluated: 2023-11-04. Review status: criteria provided, single submitter. Criteria: Invitae Variant Classification Sherloc (09022015). Collection method: clinical testing. Allele origin: germline.
Comment: This sequence change replaces glycine, which is neutral and non-polar, with arginine, which is basic and polar, at codon 825 of the COL4A5 protein (p.Gly825Arg). This variant is not present in population databases (gnomAD no frequency). This missense change has been observed in individuals with autosomal dominant Alport syndrome (PMID: 32939031, 33330536). ClinVar contains an entry for this variant (Variation ID: 975055). Advanced modeling of protein sequence and biophysical properties (such as structural, functional, and spatial information, amino acid conservation, physicochemical variation, residue mobility, and thermodynamic stability) performed at Invitae indicates that this missense variant is expected to disrupt COL4A5 protein function with a positive predictive value of 95%. This variant disrupts the triple helix domain of COL4A5. Glycine residues within the Gly-Xaa-Yaa repeats of the triple helix domain are required for the structure and stability of fibrillar collagens (PMID: 7695699, 8218237, 19344236). In COL4A5, missense variants at these glycine residues are significantly enriched in individuals with disease (PMID: 23720012, 27627812) compared to the general population (ExAC). For these reasons, this variant has been classified as Pathogenic.

Victorian Clinical Genetics Services, Murdoch Childrens Research Institute
Classification: Likely pathogenic for X-linked Alport syndrome. Last evaluated: 2018-07-17. Review status: criteria provided, single submitter. Criteria: ACMG Guidelines, 2015. Collection method: clinical testing. Allele origin: unknown. Affected: yes.
Comment: A heterozygous missense variant, NM_000495.4(COL4A5):c.2473G>A, has been identified in exon 30 of 51 of the COL4A5 gene. The variant is predicted to result in a major amino acid change from glycine to arginine at position 825 of the protein (NP_000486.1(COL4A5):p.(Gly825Arg)). The glycine residue at this position has very high conservation (100 vertebrates, UCSC), and is located within the collagen triple helix repeat domain. In silico predictions for this variant are consistently pathogenic (Polyphen, SIFT, CADD, Mutation Taster). The variant is absent in population databases (gnomAD, dbSNP, 1000G). This variant has not been previously reported in clinical cases. Based on the information available at the time of curation, this variant has been classified as LIKELY PATHOGENIC.

Literature cited by the submitters: PubMed 32939031 (cited by Labcorp Genetics (formerly Invitae), Labcorp); PubMed 33330536 (cited by Labcorp Genetics (formerly Invitae), Labcorp); PubMed 7695699 (cited by Labcorp Genetics (formerly Invitae), Labcorp); PubMed 8218237 (cited by Labcorp Genetics (formerly Invitae), Labcorp); PubMed 19344236 (cited by Labcorp Genetics (formerly Invitae), Labcorp); PubMed 23720012 (cited by Labcorp Genetics (formerly Invitae), Labcorp); PubMed 27627812 (cited by Labcorp Genetics (formerly Invitae), Labcorp).

NM_033380.3(COL4A5):c.2473G>A (p.Gly825Arg)

Gene: COL4A5 (collagen type IV alpha 5 chain; plus strand). Cytogenetic location: Xq22.3.
Variant type: single nucleotide variant.
Coding change: c.2473G>A on transcript NM_033380.3 (MANE Select); coding-DNA position 2473, G replaced by A.
Protein change: p.Gly825Arg; replaces glycine 825 with arginine.
Molecular consequence: missense variant.
Genome position (GRCh38, 1-based): chrX:108,614,988, G>A. VCF-style: chrX-108614988-G-A. GRCh37 (hg19) VCF-style: chrX-107858218-G-A.
Other names: p.Gly825Arg; c.2473G>A, p.Gly825Arg (NM_000495.5); short protein forms G825R.
Identifiers: ClinVar variation 975055 (VCV000975055.8), dbSNP rs281874692, ClinGen allele CA413850061.